The following is an entry in ClinVar:

NM_001852.4(COL9A2):c.1009-2A>C

Gene: COL9A2 (collagen type IX alpha 2 chain; minus strand). Cytogenetic location: 1p34.2.
Variant type: single nucleotide variant.
Coding change: c.1009-2A>C on transcript NM_001852.4 (MANE Select); the canonical splice acceptor site of the intron before coding-DNA position 1009, A replaced by C.
Molecular consequence: splice acceptor variant.
Genome position (GRCh38, 1-based): chr1:40,306,189, T>G on the plus strand (A>C on the coding strand, the complement: COL9A2 is on the minus strand). VCF-style: chr1-40306189-T-G. GRCh37 (hg19) VCF-style: chr1-40771861-T-G.
Other names: NC_000001.10:g.40771861T>G.
Identifiers: ClinVar variation 1683581 (VCV001683581.3), dbSNP rs2124065362, ClinGen allele CA339851557.

ClinVar aggregate classification (germline): Uncertain significance (1 of 4 stars; one submission).

Conditions:
Epiphyseal dysplasia, multiple, 2 (EDM2). Also called: COL9A2-Related Multiple Epiphyseal Dysplasia. Identifiers: MedGen C1838429, MONDO:0010844, OMIM 600204.

Allele frequency attached by ClinVar (database versions not stated): gnomAD exomes below 0.00001.
gnomAD v4.1: 3 of 1,614,216 alleles (0.00019%); highest among the groups gnomAD compares: African/African-American, 0.004%; no homozygotes.

Submissions (4):

Laboratorio de Genetica e Diagnostico Molecular, Hospital Israelita Albert Einstein
Classification: Uncertain significance for Epiphyseal dysplasia, multiple, 2. Last evaluated: 2021-03-24. Review status: criteria provided, single submitter. Criteria: ACMG Guidelines, 2015. Collection method: clinical testing. Allele origin: germline. Affected: yes.
Comment: ACMG classification criteria: PVS1 moderate, PM2

Dr. Peter K. Rogan Lab, Western University
No classification provided (evidence only). Condition: Ovarian serous cystadenocarcinoma. Review status: no classification provided. Collection method: in vitro. Allele origin: not applicable. Functional consequence: retained intron. Not counted in ClinVar's aggregate classification.

Dr. Peter K. Rogan Lab, Western University
No classification provided (evidence only). Condition: Ovarian serous cystadenocarcinoma. Review status: no classification provided. Collection method: in vitro. Allele origin: not applicable. Functional consequence: retained intron. Not counted in ClinVar's aggregate classification.

Dr. Peter K. Rogan Lab, Western University
No classification provided (evidence only). Condition: Ovarian serous cystadenocarcinoma. Review status: no classification provided. Collection method: in vitro. Allele origin: not applicable. Functional consequence: retained intron. Not counted in ClinVar's aggregate classification.